The following is an entry in ClinVar:

ClinVar aggregate classification (germline): Benign. Review status: criteria provided, multiple submitters, no conflicts (2 of 4 stars). 2 submissions from 2 submitters: Benign (2). Last evaluated 2018-06-14.

Allele frequency attached by ClinVar (database versions not stated): gnomAD exomes 0.03230; gnomAD 0.12040 and 0.12575; ESP Exome Variant Server 0.12199; TOPMed 0.13351; 1000 Genomes Project 0.15515; 1000 Genomes Project 30x 0.15928.
gnomAD v4.1: 61,080 of 1,445,742 alleles (4.2%); highest among the groups gnomAD compares: African/African-American, 35%; 5,169 homozygotes.

Submissions (2):

GeneDx
Classification: Benign. Last evaluated: 2018-06-14. Review status: criteria provided, single submitter. Criteria: GeneDx Variant Classification (06012015). Collection method: clinical testing. Allele origin: germline. Affected: yes.
Comment: This variant is considered likely benign or benign based on one or more of the following criteria: it is a conservative change, it occurs at a poorly conserved position in the protein, it is predicted to be benign by multiple in silico algorithms, and/or has population frequency not consistent with disease.

Breakthrough Genomics
Classification: Benign. Review status: criteria provided, single submitter. Criteria: ACMG Guidelines, 2015. Collection method: not provided. Allele origin: germline. Inheritance: Autosomal recessive inheritance. Affected: yes.

NM_000090.4(COL3A1):c.1870-74G>A

Gene: COL3A1 (collagen type III alpha 1 chain; plus strand). Cytogenetic location: 2q32.2.
Variant type: single nucleotide variant.
Coding change: c.1870-74G>A on transcript NM_000090.4 (MANE Select); 74 bases into the intron before coding-DNA position 1870, G replaced by A.
Molecular consequence: intron variant.
Genome position (GRCh38, 1-based): chr2:188,997,626, G>A. VCF-style: chr2-188997626-G-A. GRCh37 (hg19) VCF-style: chr2-189862352-G-A.
Identifiers: ClinVar variation 673356 (VCV000673356.2), dbSNP rs2271680, ClinGen allele CA62599141.